The following is an entry in ClinVar:

ClinVar aggregate classification (germline): Benign/Likely benign. Review status: criteria provided, multiple submitters, no conflicts (2 of 4 stars). 2 submissions from 2 submitters: Benign (1); Likely benign (1). Last evaluated 2024-04-10.

Conditions:
Familial adenomatous polyposis 1 (FAP1). Also called: FAMILIAL ADENOMATOUS POLYPOSIS 1, ATTENUATED; POLYPOSIS, ADENOMATOUS INTESTINAL. Identifiers: MedGen C2713442, MONDO:0021056, OMIM 175100. Disease mechanism: loss of function.

Submissions (2):

Myriad Genetics, Inc.
Classification: Benign for Familial adenomatous polyposis 1. Last evaluated: 2024-04-10. Review status: criteria provided, single submitter. Criteria: Myriad Autosomal Dominant, Autosomal Recessive and X-Linked Classification Criteria (2023). Collection method: clinical testing. Allele origin: unknown.
Comment: This variant is considered benign. This variant is a silent/synonymous amino acid change and it is not expected to impact splicing.

Labcorp Genetics (formerly Invitae), Labcorp
Classification: Likely benign for Familial adenomatous polyposis 1. Last evaluated: 2021-10-25. Review status: criteria provided, single submitter. Criteria: Invitae Variant Classification Sherloc (09022015). Collection method: clinical testing. Allele origin: germline.

NM_000038.6(APC):c.7671C>G (p.Ser2557=)

Gene: APC (APC regulator of Wnt signaling pathway; plus strand). Cytogenetic location: 5q22.2.
Variant type: single nucleotide variant.
Coding change: c.7671C>G on transcript NM_000038.6 (MANE Select); coding-DNA position 7671, C replaced by G.
Protein change: p.Ser2557=; no amino-acid change (serine 2557 retained).
Molecular consequence: synonymous variant.
Genome position (GRCh38, 1-based): chr5:112,843,265, C>G. VCF-style: chr5-112843265-C-G. GRCh37 (hg19) VCF-style: chr5-112178962-C-G.
Other names: c.7701C>G, p.Ser2567= (NM_001354897.2); c.7596C>G, p.Ser2532= (NM_001354898.2); c.7587C>G, p.Ser2529= (NM_001354899.2); c.7548C>G, p.Ser2516= (NM_001354900.2); c.7494C>G, p.Ser2498= (NM_001354901.2); c.7398C>G, p.Ser2466= (NM_001354902.2); c.7368C>G, p.Ser2456= (NM_001354903.2); c.7293C>G, p.Ser2431= (NM_001354904.2); and 5 more.
Identifiers: ClinVar variation 753560 (VCV000753560.13), dbSNP rs1580685454, ClinGen allele CA446211122.